The following is an entry in ClinVar:

ClinVar aggregate classification (germline): Pathogenic/Likely pathogenic. Review status: criteria provided, multiple submitters, no conflicts (2 of 4 stars). 6 submissions from 6 submitters: Pathogenic (5); Likely pathogenic (1). Last evaluated 2025-04-22.

Conditions:
MYO7A-related disorder. Also called: MYO7A-related disorders.
Rare genetic deafness. Identifiers: Orphanet 96210, MedGen C5680250.
Usher syndrome type 1B (USH1B). Also called: Usher syndrome type IB. Identifiers: MedGen C1848638, MONDO:0700087.

gnomAD v4.1: 9 of 1,612,128 alleles (0.00056%); highest among the groups gnomAD compares: South Asian, 0.0011%; no homozygotes.

Submissions (6):

PreventionGenetics, part of Exact Sciences
Classification: Pathogenic for MYO7A-related condition. Last evaluated: 2025-04-22. Review status: criteria provided, single submitter. Criteria: ACMG Guidelines, 2015. Collection method: clinical testing. Allele origin: germline.
Comment: The MYO7A c.77C>A variant is predicted to result in the amino acid substitution p.Ala26Glu. This variant was reported along with a second likely causative variant in multiple individuals with Usher syndrome or inherited retinal disease (Bharadwaj et al. 2000. PubMed ID: 10930322; Le Quesne Stabej et al. 2011. PubMed ID: 22135276; Table S1, Karali et al. 2022. PubMed ID: 36460718; Table S1, Lin et al. 2024. PubMed ID: 38219857; Jaijo et al. 2007. PubMed ID: 17361009; Table S1, Bonnet et al. 2016. PubMed ID: 27460420). This variant is reported in 0.00090% of alleles in individuals of European (Non-Finnish) descent in gnomAD. This variant is interpreted as pathogenic.

Natera, Inc.
Classification: Pathogenic for Usher syndrome type 1B. Last evaluated: 2024-12-13. Review status: criteria provided, single submitter. Criteria: Natera Variant Classification Schema (03/2026). Collection method: clinical testing. Allele origin: germline.
Comment: The c.77C>A variant in MYO7A is a missense variant predicted to cause substitution of alanine to glutamic acid at amino acid 26. This variant is rare in the general population with a frequency below the threshold expected for the associated phenotype(s). This variant has been observed in one or more individuals affected with the associated recessive disease, as either homozygous or compound heterozygous with a second variant (PMID: 27460420, 22135276, 17361009, 22952768). Computational prediction algorithms indicate this variant is likely to affect gene or protein function. Given the available evidence, this variant is classified as Pathogenic.

GeneDx
Classification: Likely pathogenic. Last evaluated: 2024-09-01. Review status: criteria provided, single submitter. Criteria: GeneDx Variant Classification Process June 2021. Collection method: clinical testing. Allele origin: germline. Affected: yes.
Comment: Not observed at significant frequency in large population cohorts (gnomAD); In silico analysis supports that this missense variant has a deleterious effect on protein structure/function; This variant is associated with the following publications: (PMID: 25525159, 22135276, 10930322, 38219857, 17361009, 38884554, 27460420, 22952768, 36460718, 24199935)

Labcorp Genetics (formerly Invitae), Labcorp
Classification: Pathogenic. Last evaluated: 2024-06-05. Review status: criteria provided, single submitter. Criteria: Invitae Variant Classification Sherloc (09022015). Collection method: clinical testing. Allele origin: germline.
Comment: This sequence change replaces alanine, which is neutral and non-polar, with glutamic acid, which is acidic and polar, at codon 26 of the MYO7A protein (p.Ala26Glu). The frequency data for this variant in the population databases is considered unreliable, as metrics indicate poor data quality at this position in the gnomAD database. This missense change has been observed in individual(s) with autosomal recessive Usher syndrome type 1 (PMID: 10930322, 17361009, 22135276, 27460420). In at least one individual the data is consistent with being in trans (on the opposite chromosome) from a pathogenic variant. ClinVar contains an entry for this variant (Variation ID: 177731). Advanced modeling of protein sequence and biophysical properties (such as structural, functional, and spatial information, amino acid conservation, physicochemical variation, residue mobility, and thermodynamic stability) has been performed at Invitae for this missense variant, however the output from this modeling did not meet the statistical confidence thresholds required to predict the impact of this variant on MYO7A protein function. For these reasons, this variant has been classified as Pathogenic.

Blueprint Genetics
Classification: Pathogenic for MYO7A-related disorders. Last evaluated: 2024-04-04. Review status: criteria provided, single submitter. Criteria: ACMG Guidelines, 2015. Collection method: clinical testing. Allele origin: germline. Affected: yes. Observed: 1 variant allele.

Laboratory for Molecular Medicine, Mass General Brigham Personalized Medicine
Classification: Pathogenic for Rare genetic deafness. Last evaluated: 2017-02-21. Review status: criteria provided, single submitter. Criteria: LMM Criteria. Collection method: clinical testing. Allele origin: germline. Inheritance: Autosomal recessive inheritance. Observed: 2 variant alleles.
Comment: The p.Ala26Glu variant has been previously reported in been reported in 5 indivi duals with Usher syndrome, 3 of whom also carried a second pathogenic or likely pathogenic MYO7A variant (Bharadwaj 2000, Jaijo 2007, Le Quesne Stabej 2012). T his variant has also been identified in 1/22234 Finnish and 1/110588 European c hromosomes by the Genome Aggregation Database (gnomAD; dbSNP rs369125667). Although this variant has been seen in the general population, its frequency is low enough to be consistent with a recessive carri er frequency for Usher syndrome. Computational prediction tools and conservation analyses suggest that this variant may impact the protein. In summary, this va riant meets criteria to be classified as pathogenic for autosomal recessive Ushe r syndrome based on the information described above.

Literature cited by the submitters: PubMed 27460420 (cited by 3 submitters); PubMed 22135276 (cited by 3 submitters); PubMed 17361009 (cited by 3 submitters); PubMed 22952768 (cited by Natera, Inc.); PubMed 10930322 (cited by Labcorp Genetics (formerly Invitae), Labcorp and Laboratory for Molecular Medicine, Mass General Brigham Personalized Medicine); PubMed 25525159 (cited by Laboratory for Molecular Medicine, Mass General Brigham Personalized Medicine).

NM_000260.4(MYO7A):c.77C>A (p.Ala26Glu)

Gene: MYO7A (myosin VIIA; plus strand). Cytogenetic location: 11q13.5.
Variant type: single nucleotide variant.
Coding change: c.77C>A on transcript NM_000260.4 (MANE Select); coding-DNA position 77, C replaced by A.
Protein change: p.Ala26Glu; replaces alanine 26 with glutamic acid.
Molecular consequence: missense variant.
Genome position (GRCh38, 1-based): chr11:77,142,767, C>A. VCF-style: chr11-77142767-C-A. GRCh37 (hg19) VCF-style: chr11-76853813-C-A.
Other names: c.77C>A, p.Ala26Glu (NM_001127180.2); c.44C>A, p.Ala15Glu (NM_001369365.1); short protein forms A26E, A15E.
Identifiers: ClinVar variation 177731 (VCV000177731.13), dbSNP rs369125667, ClinGen allele CA278728.